The following is an entry in ClinVar:

NM_001330588.2(TPP2):c.877T>C (p.Ser293Pro)

Gene: TPP2 (tripeptidyl peptidase 2; plus strand). Cytogenetic location: 13q33.1.
Variant type: single nucleotide variant.
Coding change: c.877T>C on transcript NM_001330588.2 (MANE Select); coding-DNA position 877, T replaced by C.
Protein change: p.Ser293Pro; replaces serine 293 with proline.
Molecular consequence: missense variant. On other transcripts: non-coding transcript variant (1).
Genome position (GRCh38, 1-based): chr13:102,627,104, T>C. VCF-style: chr13-102627104-T-C. GRCh37 (hg19) VCF-style: chr13-103279454-T-C.
Other names: c.877T>C, p.Ser293Pro (NM_001367947.1, NM_003291.4); short protein forms S293P.
Identifiers: ClinVar variation 1487856 (VCV001487856.6), dbSNP rs766400348, ClinGen allele CA7037616.

ClinVar aggregate classification (germline): Uncertain significance (1 of 4 stars; one submission).

Conditions:
Evans syndrome, immunodeficiency, and premature immunosenescence associated with tripeptidyl-peptidase II deficiency. Identifiers: MedGen CN231723. Disease mechanism: loss of function.

Allele frequency attached by ClinVar (database versions not stated): ExAC 0.00001; gnomAD 0.00001; gnomAD exomes 0.00001 and 0.00002; TOPMed 0.00001.
gnomAD v4.1: 30 of 1,601,332 alleles (0.0019%); highest among the groups gnomAD compares: Non-Finnish European, 0.0024%; no homozygotes.

Submission:

Labcorp Genetics (formerly Invitae), Labcorp
Classification: Uncertain significance for Evans syndrome, immunodeficiency, and premature immunosenescence associated with tripeptidyl-peptidase II deficiency. Last evaluated: 2022-05-27. Review status: criteria provided, single submitter. Criteria: Invitae Variant Classification Sherloc (09022015). Collection method: clinical testing. Allele origin: germline.
Comment: Algorithms developed to predict the effect of missense changes on protein structure and function are either unavailable or do not agree on the potential impact of this missense change (SIFT: "Deleterious"; PolyPhen-2: "Benign"; Align-GVGD: "Class C0"). This variant has not been reported in the literature in individuals affected with TPP2-related conditions. This variant is present in population databases (rs766400348, gnomAD 0.0009%). This sequence change replaces serine, which is neutral and polar, with proline, which is neutral and non-polar, at codon 293 of the TPP2 protein (p.Ser293Pro). In summary, the available evidence is currently insufficient to determine the role of this variant in disease. Therefore, it has been classified as a Variant of Uncertain Significance.